The following is an entry in ClinVar:

ClinVar aggregate classification (germline): Uncertain significance (1 of 4 stars; one submission).

Submission:

Women's Health and Genetics/Laboratory Corporation of America, LabCorp
Classification: Uncertain significance. Last evaluated: 2026-04-02. Review status: criteria provided, single submitter. Criteria: LabCorp Variant Classification Summary - May 2015. Collection method: clinical testing. Allele origin: germline.
Comment: Variant summary: CUX1 c.4330G>A (p.Ala1444Thr) results in a non-conservative amino acid change in the encoded protein sequence. Algorithms developed to predict the effect of missense changes on protein structure and function are either unavailable or do not agree on the potential impact of this missense change. The frequency data for this variant in gnomAD is considered unreliable, as metrics indicate poor data quality at this position. To our knowledge, no occurrence of c.4330G>A in individuals affected with CUX1-related conditions and no experimental evidence demonstrating its impact on protein function have been reported. No submitters have cited clinical-significance assessments for this variant to ClinVar. Based on the evidence outlined above, the variant was classified as uncertain significance.

Literature cited by the submitters: PubMed 23212519; PubMed 24316979; PubMed 31320321; PubMed 30515541.

NM_181552.4(CUX1):c.4297G>A (p.Ala1433Thr)

Gene: CUX1 (cut like homeobox 1; plus strand). Cytogenetic location: 7q22.1.
Variant type: single nucleotide variant.
Coding change: c.4297G>A on transcript NM_181552.4 (MANE Select); coding-DNA position 4297, G replaced by A.
Protein change: p.Ala1433Thr; replaces alanine 1433 with threonine.
Molecular consequence: missense variant. On other transcripts: intron variant (5).
Genome position (GRCh38, 1-based): chr7:102,248,821, G>A. VCF-style: chr7-102248821-G-A. GRCh37 (hg19) VCF-style: chr7-101892101-G-A.
Other names: c.4330G>A, p.Ala1444Thr (NM_001202543.2); c.1256-24545G>A (NM_001913.5); c.1250-24545G>A (NM_181500.4); c.1118-24545G>A (NM_001202545.3); c.1208-24545G>A (NM_001202544.3); c.1139-24545G>A (NM_001202546.3); short protein forms A1433T, A1444T.
Identifiers: ClinVar variation 4848935 (VCV004848935.1).